The following is an entry in ClinVar:

ClinVar aggregate classification (germline): Uncertain significance (1 of 4 stars; one submission).

Conditions:
Retinoblastoma (RB1). Also called: RETINOBLASTOMA, SOMATIC. Identifiers: Orphanet 790, MedGen C0035335, MeSH D012175, MONDO:0008380, OMIM 180200, HP:0009919. Disease mechanism: loss of function. Inheritance: Both sporadic and heritable forms are tested..

Submission:

Labcorp Genetics (formerly Invitae), Labcorp
Classification: Uncertain significance for Retinoblastoma. Last evaluated: 2022-12-11. Review status: criteria provided, single submitter. Criteria: Invitae Variant Classification Sherloc (09022015). Collection method: clinical testing. Allele origin: germline.
Comment: In summary, the available evidence is currently insufficient to determine the role of this variant in disease. Therefore, it has been classified as a Variant of Uncertain Significance. Studies have shown that this variant is associated with altered splicing resulting in unknown protein product impact (Invitae). This variant has not been reported in the literature in individuals affected with RB1-related conditions. This variant is not present in population databases (gnomAD no frequency). This sequence change falls in intron 7 of the RB1 gene. It does not directly change the encoded amino acid sequence of the RB1 protein.

NM_000321.3(RB1):c.719-17A>G

Gene: RB1 (RB transcriptional corepressor 1; plus strand). Cytogenetic location: 13q14.2.
Variant type: single nucleotide variant.
Coding change: c.719-17A>G on transcript NM_000321.3 (MANE Select); 17 bases into the intron before coding-DNA position 719, A replaced by G.
Molecular consequence: intron variant.
Genome position (GRCh38, 1-based): chr13:48,362,798, A>G. VCF-style: chr13-48362798-A-G. GRCh37 (hg19) VCF-style: chr13-48936934-A-G.
Other names: c.719-17A>G (NM_001407165.1, NM_001407166.1).
Identifiers: ClinVar variation 2721011 (VCV002721011.3), dbSNP rs2138111996, ClinGen allele CA2697551828.
Genomic context (GRCh38, chr13:48,362,798, plus strand): 5'-TAAGTTATAGTTAGAATACTTCATTATTTTATATGATGGATGTACAATTGTTCTTATCTA[A>G]TTTACCACTTTTACAGAAACAGCTGTTATACCCATTAATGGTTCACCTCGAACACCCAGG-3'